The following is an entry in ClinVar:

ClinVar aggregate classification (germline): Pathogenic (1 of 4 stars; one submission).

Conditions:
Rubinstein-Taybi syndrome (RSTS). Identifiers: Orphanet 783, MedGen C0035934, MONDO:0019188.

Submission:

Labcorp Genetics (formerly Invitae), Labcorp
Classification: Pathogenic for Rubinstein-Taybi syndrome. Last evaluated: 2022-06-08. Review status: criteria provided, single submitter. Criteria: Invitae Variant Classification Sherloc (09022015). Collection method: clinical testing. Allele origin: germline.
Comment: This variant has not been reported in the literature in individuals affected with CREBBP-related conditions. For these reasons, this variant has been classified as Pathogenic. This variant is not present in population databases (gnomAD no frequency). This sequence change creates a premature translational stop signal (p.Gly1411Glufs*48) in the CREBBP gene. It is expected to result in an absent or disrupted protein product. Loss-of-function variants in CREBBP are known to be pathogenic (PMID: 17052327, 18792986).

Literature cited by the submitters: PubMed 17052327; PubMed 18792986.

NM_004380.3(CREBBP):c.4232del (p.Gly1411fs)

Gene: CREBBP (CREB binding lysine acetyltransferase; minus strand). Cytogenetic location: 16p13.3.
Variant type: Deletion.
Coding change: c.4232del on transcript NM_004380.3 (MANE Select); coding-DNA position 4232, one base deleted (G; older notation c.4232delG).
Protein change: p.Gly1411fs; shifts the reading frame from glycine 1411.
Molecular consequence: frameshift variant.
Genome position (GRCh38, 1-based): chr16:3,739,626, C deleted on the plus strand (G on the coding strand, the reverse complement: CREBBP is on the minus strand); the first of 2 consecutive C bases (chr16:3,739,626-3,739,627); deleting either gives the same sequence. VCF-style (leftmost placement, unchanged base first): chr16-3739625-TC-T. GRCh37 (hg19) VCF-style: chr16-3789626-TC-T.
Other names: c.4118del, p.Gly1373fs (NM_001079846.1); short protein forms G1411fs, G1373fs.
Identifiers: ClinVar variation 2002948 (VCV002002948.4), dbSNP rs2548368576, ClinGen allele CA2580091112.